The following is an entry in ClinVar:

NM_006767.4(LZTR1):c.187T>A (p.Phe63Ile)

Gene: LZTR1 (leucine zipper like post translational regulator 1; plus strand). Cytogenetic location: 22q11.21.
Variant type: single nucleotide variant.
Coding change: c.187T>A on transcript NM_006767.4 (MANE Select); coding-DNA position 187, T replaced by A.
Protein change: p.Phe63Ile; replaces phenylalanine 63 with isoleucine.
Molecular consequence: missense variant.
Genome position (GRCh38, 1-based): chr22:20,982,558, T>A. VCF-style: chr22-20982558-T-A. GRCh37 (hg19) VCF-style: chr22-21336847-T-A.
Other names: short protein forms F63I.
Identifiers: ClinVar variation 3869274 (VCV003869274.1).

ClinVar aggregate classification (germline): Uncertain significance (1 of 4 stars; one submission).

Conditions:
Hereditary cancer-predisposing syndrome. Also called: Hereditary neoplastic syndrome; Neoplastic Syndromes, Hereditary; Tumor predisposition; Hereditary Cancer Syndrome. Identifiers: Orphanet 140162, MedGen C0027672, MeSH D009386, MONDO:0015356.
Cardiovascular phenotype. Identifiers: MedGen CN230736.

Submission:

Ambry Genetics
Classification: Uncertain significance for Cardiovascular phenotype; Hereditary cancer-predisposing syndrome. Last evaluated: 2024-12-20. Review status: criteria provided, single submitter. Criteria: Ambry Variant Classification Scheme 2023. Collection method: clinical testing. Allele origin: germline.
Comment: The p.F63I variant (also known as c.187T>A), located in coding exon 1 of the LZTR1 gene, results from a T to A substitution at nucleotide position 187. The phenylalanine at codon 63 is replaced by isoleucine, an amino acid with highly similar properties. This amino acid position is conserved. In addition, this alteration is predicted to be tolerated by in silico analysis. Based on the available evidence, the clinical significance of this variant remains unclear.